The following is an entry in ClinVar:

ClinVar aggregate classification (germline): Uncertain significance (1 of 4 stars; one submission).

Submission:

Ambry Genetics
Classification: Uncertain significance. Last evaluated: 2023-07-26. Review status: criteria provided, single submitter. Criteria: Ambry Variant Classification Scheme 2023. Collection method: clinical testing. Allele origin: germline.
Comment: The p.D326V variant (also known as c.977A>T), located in coding exon 8 of the RECQL gene, results from an A to T substitution at nucleotide position 977. The aspartic acid at codon 326 is replaced by valine, an amino acid with highly dissimilar properties. This amino acid position is conserved. In addition, this alteration is predicted to be deleterious by in silico analysis. Since supporting evidence is limited at this time, the clinical significance of this alteration remains unclear.

NM_002907.4(RECQL):c.977A>T (p.Asp326Val)

Gene: RECQL (RecQ like helicase; minus strand). Cytogenetic location: 12p12.1.
Variant type: single nucleotide variant.
Coding change: c.977A>T on transcript NM_002907.4 (MANE Select); coding-DNA position 977, A replaced by T.
Protein change: p.Asp326Val; replaces aspartic acid 326 with valine.
Molecular consequence: missense variant.
Genome position (GRCh38, 1-based): chr12:21,475,797, T>A on the plus strand (A>T on the coding strand, the complement: RECQL is on the minus strand). VCF-style: chr12-21475797-T-A. GRCh37 (hg19) VCF-style: chr12-21628731-T-A.
Other names: c.977A>T, p.Asp326Val (NM_032941.3); short protein forms D326V.
Identifiers: ClinVar variation 2586008 (VCV002586008.2), dbSNP rs1189954738, ClinGen allele CA384122173.